The following is an entry in ClinVar:

NM_006648.4(WNK2):c.5101G>A (p.Ala1701Thr)

Gene: WNK2 (WNK lysine deficient protein kinase 2; plus strand). Cytogenetic location: 9q22.31.
Variant type: single nucleotide variant.
Coding change: c.5101G>A on transcript NM_006648.4 (MANE Select); coding-DNA position 5101, G replaced by A.
Protein change: p.Ala1701Thr; replaces alanine 1701 with threonine.
Molecular consequence: missense variant.
Genome position (GRCh38, 1-based): chr9:93,292,566, G>A. VCF-style: chr9-93292566-G-A. GRCh37 (hg19) VCF-style: chr9-96054848-G-A.
Other names: c.5212G>A, p.Ala1738Thr (NM_001282394.3); short protein forms A1701T, A1738T.
Identifiers: ClinVar variation 3817182 (VCV003817182.1).

ClinVar aggregate classification (germline): Uncertain significance (1 of 4 stars; one submission).

gnomAD v4.1: 10 of 1,569,868 alleles (0.00064%); highest among the groups gnomAD compares: Non-Finnish European, 0.00087%; no homozygotes.

Submission:

Ambry Genetics
Classification: Uncertain significance. Last evaluated: 2025-02-28. Review status: criteria provided, single submitter. Criteria: Ambry Variant Classification Scheme 2023. Collection method: clinical testing. Allele origin: germline.
Comment: The p.A1701T variant (also known as c.5101G>A), located in coding exon 22 of the WNK2 gene, results from a G to A substitution at nucleotide position 5101. The alanine at codon 1701 is replaced by threonine, an amino acid with similar properties. This amino acid position is conserved. In addition, this alteration is predicted to be tolerated by in silico analysis. Based on the available evidence, the clinical significance of this variant remains unclear.